The following is an entry in ClinVar:

ClinVar aggregate classification (germline): Uncertain significance. Review status: criteria provided, multiple submitters, no conflicts (2 of 4 stars). 2 submissions from 2 submitters: Uncertain significance (2). Last evaluated 2024-11-27.

Conditions:
Mucopolysaccharidosis, MPS-III-B (MPS3B). Also called: N-ACETYL-ALPHA-D-GLUCOSAMINIDASE DEFICIENCY; NAGLU DEFICIENCY; SANFILIPPO SYNDROME B; MPS III B; MPS IIIB (Sanfilippo Syndrome Type B); MUCOPOLYSACCHARIDOSIS, TYPE IIIB. Identifiers: Orphanet 79270, MedGen C0086648, MONDO:0009656, OMIM 252920.
Charcot-Marie-Tooth disease axonal type 2V. Also called: CHARCOT-MARIE-TOOTH NEUROPATHY, TYPE 2V; CHARCOT-MARIE-TOOTH DISEASE, AXONAL, AUTOSOMAL DOMINANT, TYPE 2V. Identifiers: Orphanet 447964, MedGen C5569050, MONDO:0014665, OMIM 616491.
NAGLU-related disorder. Also called: NAGLU-related condition.

Allele frequency attached by ClinVar (database versions not stated): ExAC 0.00001; gnomAD 0.00002; gnomAD exomes below 0.00001.
gnomAD v4.1: 10 of 1,614,022 alleles (0.00062%); highest among the groups gnomAD compares: South Asian, 0.0022%; no homozygotes.

Submissions (2):

Labcorp Genetics (formerly Invitae), Labcorp
Classification: Uncertain significance for Charcot-Marie-Tooth disease axonal type 2V; Mucopolysaccharidosis, MPS-III-B. Last evaluated: 2024-11-27. Review status: criteria provided, single submitter. Criteria: Invitae Variant Classification Sherloc (09022015). Collection method: clinical testing. Allele origin: germline.
Comment: This sequence change replaces proline, which is neutral and non-polar, with arginine, which is basic and polar, at codon 216 of the NAGLU protein (p.Pro216Arg). This variant is present in population databases (rs750276054, gnomAD 0.003%). This variant has not been reported in the literature in individuals affected with NAGLU-related conditions. ClinVar contains an entry for this variant (Variation ID: 1428445). Invitae Evidence Modeling of protein sequence and biophysical properties (such as structural, functional, and spatial information, amino acid conservation, physicochemical variation, residue mobility, and thermodynamic stability) indicates that this missense variant is not expected to disrupt NAGLU protein function with a negative predictive value of 80%. In summary, the available evidence is currently insufficient to determine the role of this variant in disease. Therefore, it has been classified as a Variant of Uncertain Significance.

PreventionGenetics, part of Exact Sciences
Classification: Uncertain significance for NAGLU-related condition. Last evaluated: 2024-10-22. Review status: criteria provided, single submitter. Criteria: ACMG Guidelines, 2015. Collection method: clinical testing. Allele origin: germline.
Comment: The NAGLU c.647C>G variant is predicted to result in the amino acid substitution p.Pro216Arg. To our knowledge, this variant has not been reported in the literature. This variant is reported in 0.0029% of alleles in individuals of Latino descent in gnomAD. At this time, the clinical significance of this variant is uncertain due to the absence of conclusive functional and genetic evidence.

NM_000263.4(NAGLU):c.647C>G (p.Pro216Arg)

Gene: NAGLU (N-acetyl-alpha-glucosaminidase; plus strand). Cytogenetic location: 17q21.2.
Variant type: single nucleotide variant.
Coding change: c.647C>G on transcript NM_000263.4 (MANE Select); coding-DNA position 647, C replaced by G.
Protein change: p.Pro216Arg; replaces proline 216 with arginine.
Molecular consequence: missense variant.
Genome position (GRCh38, 1-based): chr17:42,538,454, C>G. VCF-style: chr17-42538454-C-G. GRCh37 (hg19) VCF-style: chr17-40690472-C-G.
Other names: c.647C>G (NM_000263.3); short protein forms P216R.
Identifiers: ClinVar variation 1428445 (VCV001428445.5), dbSNP rs750276054, ClinGen allele CA8576808.